The following is an entry in ClinVar:

ClinVar aggregate classification (germline): Uncertain significance. Review status: criteria provided, multiple submitters, no conflicts (2 of 4 stars). 3 submissions from 3 submitters: Uncertain significance (3). Last evaluated 2024-07-15.

Allele frequency attached by ClinVar (database versions not stated): gnomAD exomes below 0.00001; TOPMed 0.00001; ExAC 0.00002; gnomAD 0.00002.
gnomAD v4.1: 6 of 1,164,695 alleles (0.00052%); highest among the groups gnomAD compares: Non-Finnish European, 0.0007%; no homozygotes.

Submissions (4):

Labcorp Genetics (formerly Invitae), Labcorp
Classification: Uncertain significance. Last evaluated: 2024-07-15. Review status: criteria provided, single submitter. Criteria: Invitae Variant Classification Sherloc (09022015). Collection method: clinical testing. Allele origin: germline.
Comment: This sequence change affects an acceptor splice site in intron 3 of the NEXMIF gene. While this variant is not anticipated to result in nonsense mediated decay, it likely alters RNA splicing and results in a disrupted protein product. This variant is not present in population databases (gnomAD no frequency). This variant has not been reported in the literature in individuals affected with NEXMIF-related conditions. ClinVar contains an entry for this variant (Variation ID: 1302372). Variants that disrupt the consensus splice site are a relatively common cause of aberrant splicing (PMID: 17576681, 9536098). Algorithms developed to predict the effect of sequence changes on RNA splicing suggest that this variant may disrupt the consensus splice site. In summary, the available evidence is currently insufficient to determine the role of this variant in disease. Therefore, it has been classified as a Variant of Uncertain Significance.

Blueprint Genetics
Classification: Uncertain significance. Last evaluated: 2022-05-05. Review status: criteria provided, single submitter. Criteria: ACMG Guidelines, 2015. Collection method: clinical testing. Allele origin: germline.

GeneDx
Classification: Uncertain significance. Last evaluated: 2021-01-29. Review status: criteria provided, single submitter. Criteria: GeneDx Variant Classification Process June 2021. Collection method: clinical testing. Allele origin: germline. Affected: yes.
Comment: Canonical splice site variant predicted to result in an in-frame deletion of exon 4 which is the last exon; Has not been previously published as pathogenic or benign to our knowledge; This variant is associated with the following publications: (PMID: 27358180)

Dr. Peter K. Rogan Lab, Western University
No classification provided (evidence only). Condition: Nonpapillary renal cell carcinoma. Review status: no classification provided. Collection method: in vitro. Allele origin: not applicable. Functional consequence: retained intron. Not counted in ClinVar's aggregate classification.

Literature cited by the submitters: PubMed 17576681 (cited by Labcorp Genetics (formerly Invitae), Labcorp); PubMed 9536098 (cited by Labcorp Genetics (formerly Invitae), Labcorp).

NM_001008537.3(NEXMIF):c.4458-2A>G

Gene: NEXMIF (neurite extension and migration factor; minus strand). Cytogenetic location: Xq13.3.
Variant type: single nucleotide variant.
Coding change: c.4458-2A>G on transcript NM_001008537.3 (MANE Select); the canonical splice acceptor site of the intron before coding-DNA position 4458, A replaced by G.
Molecular consequence: splice acceptor variant.
Genome position (GRCh38, 1-based): chrX:74,739,500, T>C on the plus strand (A>G on the coding strand, the complement: NEXMIF is on the minus strand). VCF-style: chrX-74739500-T-C. GRCh37 (hg19) VCF-style: chrX-73959335-T-C.
Identifiers: ClinVar variation 1302372 (VCV001302372.9), dbSNP rs748987591, ClinGen allele CA10454819.